The following is an entry in ClinVar:

ClinVar aggregate classification (germline): Uncertain significance (1 of 4 stars; one submission).

Conditions:
MHC class I deficiency. Identifiers: Orphanet 34592, MedGen C6024714, MONDO:0011476.

gnomAD v4.1: 1 of 1,612,264 alleles (0.000062%); highest among the groups gnomAD compares: Non-Finnish European, 0.000085%; no homozygotes.

Submission:

Labcorp Genetics (formerly Invitae), Labcorp
Classification: Uncertain significance for MHC class I deficiency 1. Last evaluated: 2023-09-30. Review status: criteria provided, single submitter. Criteria: Invitae Variant Classification Sherloc (09022015). Collection method: clinical testing. Allele origin: germline.
Comment: In summary, the available evidence is currently insufficient to determine the role of this variant in disease. Therefore, it has been classified as a Variant of Uncertain Significance. An algorithm developed to predict the effect of missense changes on protein structure and function (PolyPhen-2) suggests that this variant is likely to be disruptive. This variant has not been reported in the literature in individuals affected with TAP1-related conditions. This variant is present in population databases (no rsID available, gnomAD 0.0009%). This sequence change replaces valine, which is neutral and non-polar, with leucine, which is neutral and non-polar, at codon 593 of the TAP1 protein (p.Val593Leu).

NM_000593.6(TAP1):c.1597G>C (p.Val533Leu)

Gene: TAP1 (transporter 1, ATP binding cassette subfamily B member; minus strand). Cytogenetic location: 6p21.32.
Variant type: single nucleotide variant.
Coding change: c.1597G>C on transcript NM_000593.6 (MANE Select); coding-DNA position 1597, G replaced by C.
Protein change: p.Val533Leu; replaces valine 533 with leucine.
Molecular consequence: missense variant.
Genome position (GRCh38, 1-based): chr6:32,848,062, C>G on the plus strand (G>C on the coding strand, the complement: TAP1 is on the minus strand). VCF-style: chr6-32848062-C-G. GRCh37 (hg19) VCF-style: chr6-32815839-C-G.
Other names: c.994G>C, p.Val332Leu (NM_001292022.2); short protein forms V332L, V533L.
Identifiers: ClinVar variation 2764589 (VCV002764589.3), dbSNP rs1271580956, ClinGen allele CA363591632.